The following is an entry in ClinVar:

ClinVar aggregate classification (germline): Uncertain significance. Review status: criteria provided, multiple submitters, no conflicts (2 of 4 stars). 5 submissions from 5 submitters: Uncertain significance (5). Last evaluated 2026-09-22.

Conditions:
MYPN-related disorder. Also called: MYPN-related condition.
Dilated cardiomyopathy 1KK (CMD1KK). Identifiers: Orphanet 154, Orphanet 75249, MedGen C3714995, MONDO:0014100, OMIM 615248.
MYPN-related myopathy (CMYO24). Also called: Nemaline myopathy 11, autosomal recessive. Identifiers: MedGen C4479186, MONDO:0015023, OMIM 617336.
Cardiovascular phenotype. Identifiers: MedGen CN230736.

Allele frequency attached by ClinVar (database versions not stated): gnomAD 0.00002 and 0.00003; TOPMed 0.00003; ExAC 0.00006; ESP Exome Variant Server 0.00008; 1000 Genomes Project 0.00020; 1000 Genomes Project 30x 0.00031.
gnomAD v4.1: 18 of 1,613,964 alleles (0.0011%); highest among the groups gnomAD compares: Middle Eastern, 0.017%; no homozygotes.

Submissions (5):

PreventionGenetics, part of Exact Sciences
Classification: Uncertain significance for MYPN-related condition. Last evaluated: 2026-09-22. Review status: criteria provided, single submitter. Criteria: ACMG Guidelines, 2015. Collection method: clinical testing. Allele origin: germline.
Comment: The MYPN c.3131G>A variant is predicted to result in the amino acid substitution p.Arg1044Gln. To our knowledge, this variant has not been reported in the literature. This variant is reported in 0.012% of alleles in individuals of African descent in gnomAD. At this time, the clinical significance of this variant is uncertain due to the absence of conclusive functional and genetic evidence.

Ambry Genetics
Classification: Uncertain significance for Cardiovascular phenotype. Last evaluated: 2022-08-01. Review status: criteria provided, single submitter. Criteria: Ambry Variant Classification Scheme 2023. Collection method: clinical testing. Allele origin: germline.
Comment: The p.R1044Q variant (also known as c.3131G>A), located in coding exon 14 of the MYPN gene, results from a G to A substitution at nucleotide position 3131. The arginine at codon 1044 is replaced by glutamine, an amino acid with highly similar properties. This amino acid position is conserved. In addition, the in silico prediction for this alteration is inconclusive. Since supporting evidence is limited at this time, the clinical significance of this alteration remains unclear.

Labcorp Genetics (formerly Invitae), Labcorp
Classification: Uncertain significance for Dilated cardiomyopathy 1KK. Last evaluated: 2022-02-10. Review status: criteria provided, single submitter. Criteria: Invitae Variant Classification Sherloc (09022015). Collection method: clinical testing. Allele origin: germline.
Comment: This sequence change replaces arginine, which is basic and polar, with glutamine, which is neutral and polar, at codon 1044 of the MYPN protein (p.Arg1044Gln). This variant is present in population databases (rs142874859, gnomAD 0.02%). This variant has not been reported in the literature in individuals affected with MYPN-related conditions. ClinVar contains an entry for this variant (Variation ID: 201889). Algorithms developed to predict the effect of missense changes on protein structure and function are either unavailable or do not agree on the potential impact of this missense change (SIFT: "Tolerated"; PolyPhen-2: "Probably Damaging"; Align-GVGD: "Class C0"). In summary, the available evidence is currently insufficient to determine the role of this variant in disease. Therefore, it has been classified as a Variant of Uncertain Significance.

Fulgent Genetics
Classification: Uncertain significance for Dilated cardiomyopathy 1KK; MYPN-related myopathy. Last evaluated: 2021-10-13. Review status: criteria provided, single submitter. Criteria: ACMG Guidelines, 2015. Collection method: clinical testing. Allele origin: unknown.

GeneDx
Classification: Uncertain significance. Last evaluated: 2020-05-29. Review status: criteria provided, single submitter. Criteria: GeneDx Variant Classification Process June 2021. Collection method: clinical testing. Allele origin: germline. Affected: yes.
Comment: In silico analysis supports that this missense variant does not alter protein structure/function; Has not been previously published as pathogenic or benign to our knowledge

NM_032578.4(MYPN):c.3131G>A (p.Arg1044Gln)

Gene: MYPN (myopalladin; plus strand). Cytogenetic location: 10q21.3.
Variant type: single nucleotide variant.
Coding change: c.3131G>A on transcript NM_032578.4 (MANE Select); coding-DNA position 3131, G replaced by A.
Protein change: p.Arg1044Gln; replaces arginine 1044 with glutamine.
Molecular consequence: missense variant. On other transcripts: non-coding transcript variant (2).
Genome position (GRCh38, 1-based): chr10:68,195,505, G>A. VCF-style: chr10-68195505-G-A. GRCh37 (hg19) VCF-style: chr10-69955262-G-A.
Other names: p.R1044Q:CGG>CAG; c.3131G>A, p.Arg1044Gln (NM_001256267.2); c.2249G>A, p.Arg750Gln (NM_001256268.2); short protein forms R1044Q, R750Q.
Identifiers: ClinVar variation 201889 (VCV000201889.15), dbSNP rs142874859, ClinGen allele CA335316.